The following is an entry in ClinVar:

ClinVar aggregate classification (germline): Likely benign. Review status: criteria provided, multiple submitters, no conflicts (2 of 4 stars). 4 submissions from 4 submitters: Likely benign (4). Last evaluated 2025-03-05.

Conditions:
Long QT syndrome (LQTS). Identifiers: MedGen C0023976, MeSH D008133, MONDO:0002442. Disease mechanism: loss of function. Inheritance: Various modes of inheritance.
Cardiovascular phenotype. Identifiers: MedGen CN230736.
Cardiac arrhythmia. Also called: Cardiac rhythm disease; Arrhythmia. Identifiers: MedGen C0003811, MONDO:0007263, HP:0011675.

Allele frequency attached by ClinVar (database versions not stated): gnomAD exomes below 0.00001; TOPMed 0.00002.
gnomAD v4.1: 4 of 1,556,652 alleles (0.00026%); highest among the groups gnomAD compares: Non-Finnish European, 0.00035%; no homozygotes.

Submissions (4):

Labcorp Genetics (formerly Invitae), Labcorp
Classification: Likely benign for Long QT syndrome. Last evaluated: 2025-03-05. Review status: criteria provided, single submitter. Criteria: Invitae Variant Classification Sherloc (09022015). Collection method: clinical testing. Allele origin: germline.

All of Us Research Program, National Institutes of Health
Classification: Likely benign for Long QT syndrome. Last evaluated: 2024-06-09. Review status: criteria provided, single submitter. Criteria: ACMG Guidelines, 2015. Collection method: clinical testing. Allele origin: germline. Inheritance: Autosomal dominant inheritance. Observed: 3 variant alleles, 3 heterozygotes.
Comment: This study involves interpretation of variants in research participants for the purpose of population health screening. Participant phenotype was not available at the time of variant classification. Additional details can be found in publication PMID: 35346344, PMCID: PMC8962531

Ambry Genetics
Classification: Likely benign for Cardiovascular phenotype. Last evaluated: 2021-05-26. Review status: criteria provided, single submitter. Criteria: Ambry Variant Classification Scheme 2023. Collection method: clinical testing. Allele origin: germline.

Color Diagnostics, LLC DBA Color Health
Classification: Likely benign for Arrhythmia. Last evaluated: 2019-02-25. Review status: criteria provided, single submitter. Criteria: ACMG Guidelines, 2015. Collection method: clinical testing. Allele origin: germline.

NM_000238.4(KCNH2):c.3051C>A (p.Ala1017=)

Gene: KCNH2 (potassium voltage-gated channel subfamily H member 2; minus strand). Cytogenetic location: 7q36.1.
Variant type: single nucleotide variant.
Coding change: c.3051C>A on transcript NM_000238.4 (MANE Select); coding-DNA position 3051, C replaced by A.
Protein change: p.Ala1017=; no amino-acid change (alanine 1017 retained).
Molecular consequence: synonymous variant.
Genome position (GRCh38, 1-based): chr7:150,947,429, G>T on the plus strand (C>A on the coding strand, the complement: KCNH2 is on the minus strand). VCF-style: chr7-150947429-G-T. GRCh37 (hg19) VCF-style: chr7-150644517-G-T.
Other names: c.2031C>A, p.Ala677= (NM_172057.3).
Identifiers: ClinVar variation 928320 (VCV000928320.16), dbSNP rs75488587, ClinGen allele CA169072038.